The following is an entry in ClinVar:

ClinVar aggregate classification (germline): Uncertain significance. Review status: criteria provided, multiple submitters, no conflicts (2 of 4 stars). 3 submissions from 3 submitters: Uncertain significance (3). Last evaluated 2025-04-08.

Conditions:
Inborn genetic diseases. Identifiers: MedGen C0950123, MeSH D030342.
Bardet-Biedl syndrome (BBS). Identifiers: Orphanet 110, MedGen C0752166, MONDO:0015229.

Allele frequency attached by ClinVar (database versions not stated): gnomAD exomes below 0.00001 and 0.00001.
gnomAD v4.1: 9 of 1,614,024 alleles (0.00056%); highest among the groups gnomAD compares: South Asian, 0.0077%; no homozygotes.

Submissions (3):

Labcorp Genetics (formerly Invitae), Labcorp
Classification: Uncertain significance for Bardet-Biedl syndrome. Last evaluated: 2025-04-08. Review status: criteria provided, single submitter. Criteria: Invitae Variant Classification Sherloc (09022015). Collection method: clinical testing. Allele origin: germline.
Comment: This sequence change replaces glycine, which is neutral and non-polar, with glutamic acid, which is acidic and polar, at codon 88 of the TTC8 protein (p.Gly88Glu). This variant is not present in population databases (gnomAD no frequency). This variant has not been reported in the literature in individuals affected with TTC8-related conditions. ClinVar contains an entry for this variant (Variation ID: 942584). Invitae Evidence Modeling of protein sequence and biophysical properties (such as structural, functional, and spatial information, amino acid conservation, physicochemical variation, residue mobility, and thermodynamic stability) indicates that this missense variant is not expected to disrupt TTC8 protein function with a negative predictive value of 80%. In summary, the available evidence is currently insufficient to determine the role of this variant in disease. Therefore, it has been classified as a Variant of Uncertain Significance.

Ambry Genetics
Classification: Uncertain significance for Inborn genetic diseases. Last evaluated: 2023-04-12. Review status: criteria provided, single submitter. Criteria: Ambry Variant Classification Scheme 2023. Collection method: clinical testing. Allele origin: germline.

Blueprint Genetics
Classification: Uncertain significance. Last evaluated: 2021-09-23. Review status: criteria provided, single submitter. Criteria: ACMG Guidelines, 2015. Collection method: clinical testing. Allele origin: germline.

NM_144596.4(TTC8):c.293G>A (p.Gly98Glu)

Gene: TTC8 (tetratricopeptide repeat domain 8; plus strand). Cytogenetic location: 14q31.3.
Variant type: single nucleotide variant.
Coding change: c.293G>A on transcript NM_144596.4 (MANE Select); coding-DNA position 293, G replaced by A.
Protein change: p.Gly98Glu; replaces glycine 98 with glutamic acid.
Molecular consequence: missense variant. On other transcripts: 5 prime UTR variant (2), non-coding transcript variant (1).
Genome position (GRCh38, 1-based): chr14:88,840,892, G>A. VCF-style: chr14-88840892-G-A. GRCh37 (hg19) VCF-style: chr14-89307236-G-A.
Other names: c.263G>A, p.Gly88Glu (NM_001288781.1, NM_001366535.2, NM_001366536.2 and 2 more transcripts); c.-300G>A (NM_001288782.1); c.-395G>A (NM_001288783.1); c.263G>A (NM_198309.2); short protein forms G88E, G98E.
Identifiers: ClinVar variation 942584 (VCV000942584.12), dbSNP rs1566836961, ClinGen allele CA390573651.